The following is an entry in ClinVar:

ClinVar aggregate classification (germline): Uncertain significance (1 of 4 stars; one submission).

Submission:

CeGaT Center for Human Genetics Tuebingen
Classification: Uncertain significance. Last evaluated: 2023-04-01. Review status: criteria provided, single submitter. Criteria: CeGaT Center For Human Genetics Tuebingen Variant Classification Criteria Version 2. Collection method: clinical testing. Allele origin: germline. Affected: yes. Observed: 1 variant allele.
Comment: CNTNAP4: PM2

NM_033401.5(CNTNAP4):c.304A>G (p.Ser102Gly)

Gene: CNTNAP4 (contactin associated protein family member 4; plus strand). Cytogenetic location: 16q23.1.
Variant type: single nucleotide variant.
Coding change: c.304A>G on transcript NM_033401.5 (MANE Select); coding-DNA position 304, A replaced by G.
Protein change: p.Ser102Gly; replaces serine 102 with glycine.
Molecular consequence: missense variant. On other transcripts: 5 prime UTR variant (1), non-coding transcript variant (3), intron variant (2).
Genome position (GRCh38, 1-based): chr16:76,355,425, A>G. VCF-style: chr16-76355425-A-G. GRCh37 (hg19) VCF-style: chr16-76389322-A-G.
Other names: c.304A>G, p.Ser102Gly (NM_001322178.2, NM_001322179.2, NM_001322188.2 and 1 more transcripts); c.301A>G, p.Ser101Gly (NM_001322181.2); c.-1178A>G (NM_001322187.2); c.40A>G, p.Ser14Gly (NM_001322189.2); c.229A>G, p.Ser77Gly (NM_138994.5); c.3+38902A>G (NM_001322180.2); c.-533+38902A>G (NM_001322191.2); short protein forms S101G, S102G, S14G, S77G.
Identifiers: ClinVar variation 2646884 (VCV002646884.24), dbSNP rs2507930453, ClinGen allele CA396850242.